The following is an entry in ClinVar:

ClinVar aggregate classification (germline): Uncertain significance (1 of 4 stars; one submission).

Submission:

Ambry Genetics
Classification: Uncertain significance. Last evaluated: 2024-10-14. Review status: criteria provided, single submitter. Criteria: Ambry Variant Classification Scheme 2023. Collection method: clinical testing. Allele origin: germline.
Comment: The p.E1600A variant (also known as c.4799A>C), located in coding exon 16 of the POLQ gene, results from an A to C substitution at nucleotide position 4799. The glutamic acid at codon 1600 is replaced by alanine, an amino acid with dissimilar properties. This amino acid position is conserved. In addition, this alteration is predicted to be tolerated by in silico analysis. Based on the available evidence, the clinical significance of this variant remains unclear.

NM_199420.4(POLQ):c.4799A>C (p.Glu1600Ala)

Gene: POLQ (DNA polymerase theta; minus strand). Cytogenetic location: 3q13.33.
Variant type: single nucleotide variant.
Coding change: c.4799A>C on transcript NM_199420.4 (MANE Select); coding-DNA position 4799, A replaced by C.
Protein change: p.Glu1600Ala; replaces glutamic acid 1600 with alanine.
Molecular consequence: missense variant.
Genome position (GRCh38, 1-based): chr3:121,488,132, T>G on the plus strand (A>C on the coding strand, the complement: POLQ is on the minus strand). VCF-style: chr3-121488132-T-G. GRCh37 (hg19) VCF-style: chr3-121206979-T-G.
Other names: short protein forms E1600A.
Identifiers: ClinVar variation 3422597 (VCV003422597.1).